The following is an entry in ClinVar:

ClinVar aggregate classification (germline): Pathogenic (1 of 4 stars; one submission).

Submission:

Labcorp Genetics (formerly Invitae), Labcorp
Classification: Pathogenic. Last evaluated: 2024-02-29. Review status: criteria provided, single submitter. Criteria: Invitae Variant Classification Sherloc (09022015). Collection method: clinical testing. Allele origin: germline.
Comment: This sequence change creates a premature translational stop signal (p.Asn3049Ilefs*6) in the ADGRV1 gene. It is expected to result in an absent or disrupted protein product. Loss-of-function variants in ADGRV1 are known to be pathogenic (PMID: 19357117, 22135276, 22147658, 26226137, 30718709, 31047384, 32467589). This variant is not present in population databases (gnomAD no frequency). This variant has not been reported in the literature in individuals affected with ADGRV1-related conditions. For these reasons, this variant has been classified as Pathogenic.

Literature cited by the submitters: PubMed 19357117; PubMed 22135276; PubMed 22147658; PubMed 26226137; PubMed 30718709; PubMed 31047384; PubMed 32467589.

NM_032119.4(ADGRV1):c.9146del (p.Asn3049fs)

Gene: ADGRV1 (adhesion G protein-coupled receptor V1; plus strand). Cytogenetic location: 5q14.3.
Variant type: Deletion.
Coding change: c.9146del on transcript NM_032119.4 (MANE Select); coding-DNA position 9146, one base deleted (A; older notation c.9146delA).
Protein change: p.Asn3049fs; shifts the reading frame from asparagine 3049.
Molecular consequence: frameshift variant. On other transcripts: non-coding transcript variant (1).
Genome position (GRCh38, 1-based): chr5:90,712,390, A deleted; the last of 3 consecutive A bases (chr5:90,712,388-90,712,390); deleting any one gives the same sequence. VCF-style (leftmost placement, unchanged base first): chr5-90712387-CA-C. GRCh37 (hg19) VCF-style: chr5-90008204-CA-C.
Other names: short protein forms N3049fs.
Identifiers: ClinVar variation 3643747 (VCV003643747.2).